The following is an entry in ClinVar:

NM_001365088.1(SLC12A6):c.2736dup (p.Val913fs)

Gene: SLC12A6 (solute carrier family 12 member 6; minus strand). Cytogenetic location: 15q14.
Variant type: Duplication.
Coding change: c.2736dup on transcript NM_001365088.1 (MANE Select); coding-DNA position 2736, one base duplicated (T; older notation c.2736dupT).
Protein change: p.Val913fs; shifts the reading frame from valine 913.
Molecular consequence: frameshift variant.
Genome position (GRCh38, 1-based): chr15:34,238,298, A duplicated on the plus strand (T on the coding strand, the reverse complement: SLC12A6 is on the minus strand). VCF-style (leftmost placement, unchanged base first): chr15-34238297-C-CA. GRCh37 (hg19) VCF-style: chr15-34530498-C-CA.
Other names: c.2559dup, p.Val854fs (NM_001042494.2, NM_001042495.2); c.2709dup, p.Val904fs (NM_001042496.2); c.2691dup, p.Val898fs (NM_001042497.2); c.2583dup, p.Val862fs (NM_005135.2); c.2736dup, p.Val913fs (NM_133647.2); short protein forms V854fs, V862fs, V898fs, V904fs, V913fs.
Identifiers: ClinVar variation 2678765 (VCV002678765.4), dbSNP rs2509753178, ClinGen allele CA2695197253.

ClinVar aggregate classification (germline): Pathogenic/Likely pathogenic. Review status: criteria provided, multiple submitters, no conflicts (2 of 4 stars). 2 submissions from 2 submitters: Pathogenic (1); Likely pathogenic (1). Last evaluated 2022-12-16.

Conditions:
Agenesis of the corpus callosum with peripheral neuropathy (ACCPN). Also called: Hereditary Motor and Sensory Neuropathy with Agenesis of the Corpus Callosum; HMSN/ACC; CHARLEVOIX DISEASE; POLYNEUROPATHY, SENSORIMOTOR, WITH OR WITHOUT AGENESIS OF THE CORPUS CALLOSUM. Identifiers: Orphanet 1496, MedGen C0795950, MONDO:0000902, OMIM 218000. Disease mechanism: loss of function.

Submissions (2):

Labcorp Genetics (formerly Invitae), Labcorp
Classification: Pathogenic. Last evaluated: 2022-12-16. Review status: criteria provided, single submitter. Criteria: Invitae Variant Classification Sherloc (09022015). Collection method: clinical testing. Allele origin: germline.
Comment: This sequence change creates a premature translational stop signal (p.Val913Cysfs*7) in the SLC12A6 gene. It is expected to result in an absent or disrupted protein product. Loss-of-function variants in SLC12A6 are known to be pathogenic (PMID: 12368912, 16606917). This variant is not present in population databases (gnomAD no frequency). This variant has not been reported in the literature in individuals affected with SLC12A6-related conditions. For these reasons, this variant has been classified as Pathogenic.

Baylor Genetics
Classification: Likely pathogenic for Agenesis of the corpus callosum with peripheral neuropathy. Last evaluated: 2021-12-18. Review status: criteria provided, single submitter. Criteria: ACMG Guidelines, 2015. Collection method: clinical testing. Allele origin: unknown.

Literature cited by the submitters: PubMed 12368912 (cited by Labcorp Genetics (formerly Invitae), Labcorp); PubMed 16606917 (cited by Labcorp Genetics (formerly Invitae), Labcorp).